The following is an entry in ClinVar:

NM_018706.7(DHTKD1):c.94G>A (p.Gly32Ser)

Gene: DHTKD1 (dehydrogenase E1 and transketolase domain containing 1; plus strand). Cytogenetic location: 10p14.
Variant type: single nucleotide variant.
Coding change: c.94G>A on transcript NM_018706.7 (MANE Select); coding-DNA position 94, G replaced by A.
Protein change: p.Gly32Ser; replaces glycine 32 with serine.
Molecular consequence: missense variant.
Genome position (GRCh38, 1-based): chr10:12,069,127, G>A. VCF-style: chr10-12069127-G-A. GRCh37 (hg19) VCF-style: chr10-12111126-G-A.
Other names: short protein forms G32S.
Identifiers: ClinVar variation 1978750 (VCV001978750.4), dbSNP rs1202210849, ClinGen allele CA376011658.
Genomic context (GRCh38, chr10:12,069,127, plus strand): 5'-GGCCTCGGCCGGGCTCTCCCTCTCTTCTGGCGTGGCTACCAGACCGAGCGGGGCGTTTAC[G>A]GCTACCGGCCGAGGAAGCCCGAGAGCCGCGAGCCCCAGGGCGCCCTGGAGCGCCCCCCAG-3'
Protein context (NP_061176.4, residues 22-42): RGYQTERGVY[Gly32Ser]YRPRKPESRE

ClinVar aggregate classification (germline): Uncertain significance (1 of 4 stars; one submission).

Conditions:
2-aminoadipic 2-oxoadipic aciduria (AAKAD). Also called: Aminoadipic aciduria; ALPHA-AMINOADIPIC AND ALPHA-KETOADIPIC ACIDURIA. Identifiers: Orphanet 79154, MedGen C1859817, MONDO:0008774, OMIM 204750.

Allele frequency attached by ClinVar (database versions not stated): gnomAD 0.00001; TOPMed 0.00001.

Submission:

Labcorp Genetics (formerly Invitae), Labcorp
Classification: Uncertain significance for 2-aminoadipic 2-oxoadipic aciduria. Last evaluated: 2022-04-23. Review status: criteria provided, single submitter. Criteria: Invitae Variant Classification Sherloc (09022015). Collection method: clinical testing. Allele origin: germline.
Comment: This sequence change replaces glycine, which is neutral and non-polar, with serine, which is neutral and polar, at codon 32 of the DHTKD1 protein (p.Gly32Ser). This variant is present in population databases (no rsID available, gnomAD 0.01%). This variant has not been reported in the literature in individuals affected with DHTKD1-related conditions. Algorithms developed to predict the effect of missense changes on protein structure and function are either unavailable or do not agree on the potential impact of this missense change (SIFT: "Deleterious"; PolyPhen-2: "Probably Damaging"; Align-GVGD: "Class C0"). In summary, the available evidence is currently insufficient to determine the role of this variant in disease. Therefore, it has been classified as a Variant of Uncertain Significance.